The following is an entry in ClinVar:

ClinVar aggregate classification (germline): Uncertain significance (1 of 4 stars; one submission).

Submission:

GeneDx
Classification: Uncertain significance. Last evaluated: 2023-07-19. Review status: criteria provided, single submitter. Criteria: GeneDx Variant Classification Process June 2021. Collection method: clinical testing. Allele origin: germline. Affected: yes.
Comment: Not observed at significant frequency in large population cohorts (gnomAD); In silico analysis supports that this missense variant has a deleterious effect on protein structure/function; Has not been previously published as pathogenic or benign to our knowledge

NM_001492.6(GDF1):c.131G>T (p.Gly44Val)

Genes: CERS1 (ceramide synthase 1; minus strand), GDF1 (growth differentiation factor 1; minus strand). Cytogenetic location: 19p13.11.
Variant type: single nucleotide variant.
Coding change: c.131G>T on transcript NM_001492.6 (MANE Select); coding-DNA position 131, G replaced by T.
Protein change: p.Gly44Val; replaces glycine 44 with valine.
Molecular consequence: missense variant. On other transcripts: 3 prime UTR variant (2).
Genome position (GRCh38, 1-based): chr19:18,870,177, C>A on the plus strand (G>T on the coding strand, the complement: GDF1 is on the minus strand). VCF-style: chr19-18870177-C-A. GRCh37 (hg19) VCF-style: chr19-18980986-C-A.
Other names: c.*400G>T (NM_001387440.1, NM_021267.5); c.131G>T, p.Gly44Val (NM_001387438.1); short protein forms G44V.
Identifiers: ClinVar variation 3361111 (VCV003361111.1).